The following is an entry in ClinVar:

ClinVar aggregate classification (germline): Pathogenic. Review status: criteria provided, multiple submitters, no conflicts (2 of 4 stars). 13 submissions from 13 submitters: Pathogenic (13). Last evaluated 2025-11-23.

Conditions:
NF1-related disorder. Also called: NF1-related condition. Identifiers: MedGen CN379171.
Hereditary cancer-predisposing syndrome. Also called: Hereditary Cancer Syndrome; Tumor predisposition; Hereditary neoplastic syndrome; Neoplastic Syndromes, Hereditary. Identifiers: Orphanet 140162, MedGen C0027672, MeSH D009386, MONDO:0015356.
Cardiovascular phenotype. Identifiers: MedGen CN230736.
Juvenile myelomonocytic leukemia (JMML). Also called: LEUKEMIA, JUVENILE MYELOMONOCYTIC, SOMATIC. Identifiers: Orphanet 86834, MedGen C0349639, MONDO:0011908, OMIM 607785, HP:0012209.
Neurofibromatosis, type 1 (NF1). Also called: Neurofibromatosis, type I; VON RECKLINGHAUSEN DISEASE; NEUROFIBROMATOSIS, TYPE I, SOMATIC; Peripheral type neurofibromatosis. Identifiers: Orphanet 636, MedGen C0027831, MONDO:0018975, OMIM 162200. Disease mechanism: loss of function.

Submissions (13):

Labcorp Genetics (formerly Invitae), Labcorp
Classification: Pathogenic for Neurofibromatosis, type 1. Last evaluated: 2025-11-23. Review status: criteria provided, single submitter. Criteria: Invitae Variant Classification Sherloc (09022015). Collection method: clinical testing. Allele origin: germline.
Comment: This sequence change affects a donor splice site in intron 10 of the NF1 gene. It is expected to disrupt RNA splicing. Variants that disrupt the donor or acceptor splice site typically lead to a loss of protein function (PMID: 16199547), and loss-of-function variants in NF1 are known to be pathogenic (PMID: 10712197, 23913538). This variant is not present in population databases (gnomAD no frequency). Disruption of this splice site has been observed in individuals with neurofibromatosis type I (PMID: 10607834, 16835897, 18546366). Invitae Evidence Modeling of clinical and family history, age, sex, and reported ancestry of multiple individuals with this NF1 variant has been performed. This variant is expected to be pathogenic with a positive predictive value of at least 99%. This is a validated machine learning model that incorporates the clinical features of 1,785,918 individuals referred to our laboratory for NF1 testing. This variant is also known as IVS8+1G>A. ClinVar contains an entry for this variant (Variation ID: 219572). Algorithms developed to predict the effect of sequence changes on RNA splicing suggest that this variant may disrupt the consensus splice site. This variant disrupts the c.1185+1G nucleotide in the NF1 gene. Other variant(s) that disrupt this nucleotide have been determined to be pathogenic (PMID: 8957181, 11726231). This suggests that this nucleotide is clinically significant, and that variants that disrupt this position are likely to be disease-causing. For these reasons, this variant has been classified as Pathogenic.

Myriad Genetics, Inc.
Classification: Pathogenic for Neurofibromatosis, type 1. Last evaluated: 2025-11-19. Review status: criteria provided, single submitter. Criteria: Myriad Autosomal Dominant, Autosomal Recessive and X-Linked Classification Criteria (2023). Collection method: clinical testing. Allele origin: unknown.
Comment: This variant is considered pathogenic. This variant occurs within a consensus splice junction and is predicted to result in abnormal mRNA splicing of either an out-of-frame exon or an in-frame exon necessary for protein stability and/or normal function. This variant has been reported in multiple individuals with clinical features of gene-specific disease [PMID: 23668869, 24361808, 16835897, 10607834, 10712197, 27625798, 34427956]. Functional studies indicate this variant impacts protein function [PMID: 10607834, 25788518, 32243842].

Ambry Genetics
Classification: Pathogenic for Cardiovascular phenotype; Hereditary cancer-predisposing syndrome. Last evaluated: 2023-11-29. Review status: criteria provided, single submitter. Criteria: Ambry Variant Classification Scheme 2023. Collection method: clinical testing. Allele origin: germline.
Comment: The c.1185+1G>A intronic pathogenic mutation results from a G to A substitution one nucleotide after coding exon 10 of the NF1 gene. Alterations that disrupt the canonical splice site are expected to cause aberrant splicing, resulting in an abnormal protein. RNA studies have demonstrated that this alteration results in abnormal splicing in the set of samples tested (Ars E et al. Hum. Mol. Genet., 2000 Jan;9:237-47; Anastasaki C et al. Hum Mol Genet, 2015 Jun;24:3518-28; Ambry internal data). This mutation has been detected in multiple individuals with suspected or definite diagnosis of neurofibromatosis type 1 (NF1) (Anastasaki C et al. Hum Mol Genet, 2015 Jun;24:3518-28; Riva M et al. Genes Chromosomes Cancer, 2022 Jan;61:10-21; Ercolino T et al. Gene, 2014 Feb;536:332-5). In addition, another mutation at the same donor site (c.1185+2T>A) has been reported in individuals with clinical diagnosis of NF1 (Zhang J et al. Sci Rep, 2015 Jun;5:11291; Ambry internal data). Based on the supporting evidence, this alteration is interpreted as a disease-causing mutation.

Baylor Genetics
Classification: Pathogenic for Juvenile myelomonocytic leukemia. Last evaluated: 2023-08-04. Review status: criteria provided, single submitter. Criteria: ACMG Guidelines, 2015. Collection method: clinical testing. Allele origin: unknown.

GeneDx
Classification: Pathogenic. Last evaluated: 2023-04-03. Review status: criteria provided, single submitter. Criteria: GeneDx Variant Classification Process June 2021. Collection method: clinical testing. Allele origin: germline. Affected: yes.
Comment: Canonical splice site variant predicted to result in an in-frame deletion of exon 10, confirmed by mRNA analysis in patient cells (Ars et al., 2000, Anastasaki et al., 2015, Giugliano et al., 2019); Deletions involving coding exons in this gene are frequently reported as pathogenic, regardless of frame prediction (HGMD); Not observed at significant frequency in large population cohorts (gnomAD); A different pathogenic splice variant at this residue (c.1185+1 G>T) has been reported as pathogenic in the published literature in association with NF1-related neurofibromatosis (Horn et al., 1996); Also known as IVS8+1G>A; This variant is associated with the following publications: (PMID: 8957181, 25788518, 34427956, 25525159, 17726231, 10607834, 24361808, 16835897, 18546366, 32243842, 31370276)

MGZ Medical Genetics Center
Classification: Pathogenic for Neurofibromatosis, type 1. Last evaluated: 2022-04-19. Review status: criteria provided, single submitter. Criteria: ACMG Guidelines, 2015. Collection method: clinical testing. Allele origin: germline. Affected: yes. Observed: 3 variant alleles.
Comment: ACMG criteria applied: PVS1, PS4_MOD, PM2_SUP

Genome-Nilou Lab
Classification: Pathogenic for Neurofibromatosis, type 1. Last evaluated: 2022-03-15. Review status: criteria provided, single submitter. Criteria: ACMG Guidelines, 2015. Collection method: clinical testing. Allele origin: germline. Affected: no.

Genome Diagnostics Laboratory, The Hospital for Sick Children
Classification: Pathogenic for Neurofibromatosis, type 1. Last evaluated: 2020-10-26. Review status: criteria provided, single submitter. Criteria: ACMG Guidelines, 2015. Collection method: clinical testing. Allele origin: germline. Affected: yes.

Blueprint Genetics
Classification: Pathogenic for NF1-related disorders. Last evaluated: 2020-04-27. Review status: criteria provided, single submitter. Criteria: ACMG Guidelines, 2015. Collection method: clinical testing. Allele origin: germline. Affected: yes. Observed: 1 variant allele.

Medical Genetics, University of Parma
Classification: Pathogenic for Neurofibromatosis, type 1. Last evaluated: 2019-12-20. Review status: criteria provided, single submitter. Criteria: ACMG Guidelines, 2015. Collection method: clinical testing. Allele origin: germline. Affected: yes.

CeGaT Center for Human Genetics Tuebingen
Classification: Pathogenic. Last evaluated: 2018-12-01. Review status: criteria provided, single submitter. Criteria: CeGaT Center For Human Genetics Tuebingen Variant Classification Criteria Version 2. Collection method: clinical testing. Allele origin: germline. Affected: yes. Observed: 1 variant allele.

Clinical Genetics Service, Universitary Hospital 12 de Octubre
Classification: Pathogenic for Neurofibromatosis, type 1. Review status: criteria provided, single submitter. Criteria: ACMG Guidelines, 2015. Collection method: clinical testing. Allele origin: germline. Affected: yes.

Juno Genomics, Hangzhou Juno Genomics, Inc
Classification: Pathogenic for Neurofibromatosis, type 1. Review status: criteria provided, single submitter. Criteria: ACMG Guidelines, 2015. Collection method: clinical testing. Allele origin: germline. Affected: yes.
Comment: Null variant in a gene where loss of function (LOF) is a known mechanism of disease.;Absent from controls (or at extremely low frequency if recessive) in Genome Aggregation Database, Exome Sequencing Project, 1000 Genomes Project, or Exome Aggregation Consortium.;Co-segregation with disease in multiple affected family members in a gene definitively known to cause the disease.;The prevalence of the variant in affected individuals is significantly increased compared to the prevalence in controls.;Patient's phenotype or family history is highly specific for a disease with a single genetic etiology.;Assumed de novo, but without confirmation of paternity and maternity.

Literature cited by the submitters: PubMed 16199547 (cited by Labcorp Genetics (formerly Invitae), Labcorp); PubMed 10712197 (cited by Labcorp Genetics (formerly Invitae), Labcorp and Myriad Genetics, Inc.); PubMed 23913538 (cited by Labcorp Genetics (formerly Invitae), Labcorp); PubMed 10607834 (cited by Labcorp Genetics (formerly Invitae), Labcorp and Myriad Genetics, Inc.); PubMed 16835897 (cited by Labcorp Genetics (formerly Invitae), Labcorp and Myriad Genetics, Inc.); PubMed 18546366 (cited by Labcorp Genetics (formerly Invitae), Labcorp); PubMed 8957181 (cited by Labcorp Genetics (formerly Invitae), Labcorp); PubMed 11726231 (cited by Labcorp Genetics (formerly Invitae), Labcorp); PubMed 23668869 (cited by Myriad Genetics, Inc.); PubMed 24361808 (cited by Myriad Genetics, Inc.); PubMed 27625798 (cited by Myriad Genetics, Inc.); PubMed 34427956 (cited by Myriad Genetics, Inc.); PubMed 25788518 (cited by Myriad Genetics, Inc.); PubMed 32243842 (cited by Myriad Genetics, Inc.).

NM_001042492.3(NF1):c.1185+1G>A

Gene: NF1 (neurofibromin 1; plus strand). Cytogenetic location: 17q11.2.
Variant type: single nucleotide variant.
Coding change: c.1185+1G>A on transcript NM_001042492.3 (MANE Select); the canonical splice donor site of the intron after coding-DNA position 1185, G replaced by A.
Molecular consequence: splice donor variant.
Genome position (GRCh38, 1-based): chr17:31,201,160, G>A. VCF-style: chr17-31201160-G-A. GRCh37 (hg19) VCF-style: chr17-29528178-G-A.
Other names: c.1185+1G>A (NM_000267.4, NM_001128147.3).
Identifiers: ClinVar variation 219572 (VCV000219572.62), dbSNP rs864622161, ClinGen allele CA348721.